The following is an entry in ClinVar:

ClinVar aggregate classification (germline): Uncertain significance (1 of 4 stars; one submission).

Conditions:
Retinitis pigmentosa 33 (RP33). Identifiers: Orphanet 791, MedGen C1835895, MONDO:0012477, OMIM 610359.

Submission:

Juno Genomics, Hangzhou Juno Genomics, Inc
Classification: Uncertain significance for Retinitis pigmentosa 33. Review status: criteria provided, single submitter. Criteria: ACMG Guidelines, 2015. Collection method: clinical testing. Allele origin: germline. Affected: yes.
Comment: Absent from controls (or at extremely low frequency if recessive) in Genome Aggregation Database, Exome Sequencing Project, 1000 Genomes Project, or Exome Aggregation Consortium.;Multiple lines of computational evidence support a deleterious effect on the gene or gene product (conservation, evolutionary, splicing impact, etc).;Missense variant in a gene that has a low rate of benign missense variation and where missense variants are a common mechanism of disease.

NM_014014.5(SNRNP200):c.2534G>A (p.Gly845Glu)

Gene: SNRNP200 (small nuclear ribonucleoprotein U5 subunit 200; minus strand). Cytogenetic location: 2q11.2.
Variant type: single nucleotide variant.
Coding change: c.2534G>A on transcript NM_014014.5 (MANE Select); coding-DNA position 2534, G replaced by A.
Protein change: p.Gly845Glu; replaces glycine 845 with glutamic acid.
Molecular consequence: missense variant.
Genome position (GRCh38, 1-based): chr2:96,290,703, C>T on the plus strand (G>A on the coding strand, the complement: SNRNP200 is on the minus strand). VCF-style: chr2-96290703-C-T. GRCh37 (hg19) VCF-style: chr2-96956441-C-T.
Other names: short protein forms G845E.
Identifiers: ClinVar variation 3382307 (VCV003382307.2).
Genomic context (GRCh38, chr2:96,290,703, plus strand): 5'-ATACTGATCCCTGCTGAGAATAAACTCAAAAGGCTCTGTACCTGCAGAATGTCCAGTGCT[C>T]CCAGTTCTGTCCAACGCCCCTTCTCTGGACTGTACACCTGGGTGCCTTTGATGATGACTG-3'
Protein context (NP_054733.2, residues 835-855): SPEKGRWTEL[Gly845Glu]ALDILQMLGR